The following is an entry in ClinVar:

NM_001458.5(FLNC):c.862C>T (p.Gln288Ter)

Gene: FLNC (filamin C; plus strand). Cytogenetic location: 7q32.1.
Variant type: single nucleotide variant.
Coding change: c.862C>T on transcript NM_001458.5 (MANE Select); coding-DNA position 862, C replaced by T.
Protein change: p.Gln288Ter; replaces glutamine 288 with a stop codon.
Molecular consequence: nonsense.
Genome position (GRCh38, 1-based): chr7:128,837,648, C>T. VCF-style: chr7-128837648-C-T. GRCh37 (hg19) VCF-style: chr7-128477702-C-T.
Other names: c.862C>T, p.Gln288Ter (NM_001127487.2); short protein forms Q288*.
Identifiers: ClinVar variation 3754759 (VCV003754759.2).

ClinVar aggregate classification (germline): Pathogenic (1 of 4 stars; one submission).

Conditions:
Myofibrillar myopathy 5. Also called: Filaminopathy (type); FILAMINOPATHY, AUTOSOMAL DOMINANT. Identifiers: Orphanet 171445, MedGen C1836050, MONDO:0012289, OMIM 609524.
Distal myopathy with posterior leg and anterior hand involvement. Also called: WILLIAMS DISTAL MYOPATHY. Identifiers: Orphanet 63273, MedGen C3279722, MONDO:0013550, OMIM 614065.
Hypertrophic cardiomyopathy 26. Also called: Cardiomyopathy, familial hypertrophic, 26. Identifiers: Orphanet 75249, MedGen C4310749, MONDO:0014883, OMIM 617047.

Submission:

Labcorp Genetics (formerly Invitae), Labcorp
Classification: Pathogenic for Distal myopathy with posterior leg and anterior hand involvement; Myofibrillar myopathy 5; Hypertrophic cardiomyopathy 26. Last evaluated: 2025-05-01. Review status: criteria provided, single submitter. Criteria: Invitae Variant Classification Sherloc (09022015). Collection method: clinical testing. Allele origin: germline.
Comment: This sequence change creates a premature translational stop signal (p.Gln288*) in the FLNC gene. It is expected to result in an absent or disrupted protein product. Loss-of-function variants in FLNC are known to be pathogenic (PMID: 27908349). This variant is not present in population databases (gnomAD no frequency). This variant has not been reported in the literature in individuals affected with FLNC-related conditions. ClinVar contains an entry for this variant (Variation ID: 3754759). For these reasons, this variant has been classified as Pathogenic.

Literature cited by the submitters: PubMed 27908349.